The following is an entry in ClinVar:

NM_000388.4(CASR):c.2278A>T (p.Ile760Phe)

Gene: CASR (calcium sensing receptor; plus strand). Cytogenetic location: 3q21.1.
Variant type: single nucleotide variant.
Coding change: c.2278A>T on transcript NM_000388.4 (MANE Select); coding-DNA position 2278, A replaced by T.
Protein change: p.Ile760Phe; replaces isoleucine 760 with phenylalanine.
Molecular consequence: missense variant.
Genome position (GRCh38, 1-based): chr3:122,284,232, A>T. VCF-style: chr3-122284232-A-T. GRCh37 (hg19) VCF-style: chr3-122003079-A-T.
Other names: c.2308A>T, p.Ile770Phe (NM_001178065.2); short protein forms I760F, I770F.
Identifiers: ClinVar variation 652572 (VCV000652572.14), dbSNP rs1453953571, ClinGen allele CA354159289.

ClinVar aggregate classification (germline): Conflicting classifications of pathogenicity. Review status: criteria provided, conflicting classifications (1 of 4 stars). 2 submissions from 2 submitters: Uncertain significance (1); Likely benign (1). Last evaluated 2025-12-08.

Conditions:
Neonatal severe primary hyperparathyroidism. Identifiers: Orphanet 417, MedGen C1832615, MONDO:0009397, OMIM 239200.
Autosomal dominant hypocalcemia 1 (HYPOC1). Also called: HYPOCALCEMIA, FAMILIAL. Identifiers: MedGen C3715128, MONDO:0011013, OMIM 601198.
Bartter syndrome with hypocalcemia. Also called: Hypocalcemia, autosomal dominant 1, with bartter syndrome. Identifiers: MedGen C4552089, MONDO:0016983.
Familial hypocalciuric hypercalcemia (FHH). Also called: Familial benign hypercalcemia. Identifiers: Orphanet 405, MedGen C1809471, MONDO:0018458.

Allele frequency attached by ClinVar (database versions not stated): gnomAD exomes below 0.00001 and 0.00001.
gnomAD v4.1: 13 of 1,614,002 alleles (0.00081%); highest among the groups gnomAD compares: Non-Finnish European, 0.00076%; no homozygotes.

Submissions (2):

Labcorp Genetics (formerly Invitae), Labcorp
Classification: Likely benign for Familial hypocalciuric hypercalcemia; Autosomal dominant hypocalcemia 1. Last evaluated: 2025-12-08. Review status: criteria provided, single submitter. Criteria: Invitae Variant Classification Sherloc (09022015). Collection method: clinical testing. Allele origin: germline.

Women's Health and Genetics/Laboratory Corporation of America, LabCorp
Classification: Uncertain significance. Last evaluated: 2024-06-17. Review status: criteria provided, single submitter. Criteria: LabCorp Variant Classification Summary - May 2015. Collection method: clinical testing. Allele origin: germline.
Comment: Variant summary: CASR c.2278A>T (p.Ile760Phe) results in a non-conservative amino acid change located in the GPCR family 3, C-terminal domain (IPR017978) of the encoded protein sequence. Four of five in-silico tools predict a damaging effect of the variant on protein function. The variant allele was found at a frequency of 4e-06 in 250870 control chromosomes. The available data on variant occurrences in the general population are insufficient to allow any conclusion about variant significance. c.2278A>T has been reported in the literature in at least one individual affected with an ectopic mineralization disorder who was also compound heterozygous for variants in the ABCC6 gene (e.g. Saeidian_2022). This report does not provide unequivocal conclusions about association of the variant with Autosomal Dominant Hypocalcemia. To our knowledge, no experimental evidence demonstrating an impact on protein function has been reported. The following publication has been ascertained in the context of this evaluation (PMID: 34906475). ClinVar contains an entry for this variant (Variation ID: 652572). Based on the evidence outlined above, the variant was classified as uncertain significance.

Literature cited by the submitters: PubMed 34906475 (cited by Women's Health and Genetics/Laboratory Corporation of America, LabCorp).